The following is an entry in ClinVar:

NM_002528.7(NTHL1):c.625G>T (p.Val209Phe)

Gene: NTHL1 (nth like DNA glycosylase 1; minus strand). Cytogenetic location: 16p13.3.
Variant type: single nucleotide variant.
Coding change: c.625G>T on transcript NM_002528.7 (MANE Select); coding-DNA position 625, G replaced by T.
Protein change: p.Val209Phe; replaces valine 209 with phenylalanine.
Molecular consequence: missense variant.
Genome position (GRCh38, 1-based): chr16:2,043,627, C>A on the plus strand (G>T on the coding strand, the complement: NTHL1 is on the minus strand). VCF-style: chr16-2043627-C-A. GRCh37 (hg19) VCF-style: chr16-2093628-C-A.
Other names: c.454G>T, p.Val152Phe (NM_001318193.2); c.295G>T, p.Val99Phe (NM_001318194.2); short protein forms V99F, V152F, V209F.
Identifiers: ClinVar variation 1362015 (VCV001362015.8), dbSNP rs780658029, ClinGen allele CA394291351.

ClinVar aggregate classification (germline): Uncertain significance. Review status: criteria provided, multiple submitters, no conflicts (2 of 4 stars). 2 submissions from 2 submitters: Uncertain significance (2). Last evaluated 2026-01-21.

Conditions:
Hereditary cancer-predisposing syndrome. Also called: Tumor predisposition; Hereditary neoplastic syndrome; Neoplastic Syndromes, Hereditary; Hereditary Cancer Syndrome. Identifiers: Orphanet 140162, MedGen C0027672, MeSH D009386, MONDO:0015356.

gnomAD v4.1: 2 of 1,611,028 alleles (0.00012%); highest among the groups gnomAD compares: East Asian, 0.0045%; no homozygotes.

Submissions (2):

Labcorp Genetics (formerly Invitae), Labcorp
Classification: Uncertain significance. Last evaluated: 2026-01-21. Review status: criteria provided, single submitter. Criteria: Invitae Variant Classification Sherloc (09022015). Collection method: clinical testing. Allele origin: germline.
Comment: This sequence change replaces valine, which is neutral and non-polar, with phenylalanine, which is neutral and non-polar, at codon 217 of the NTHL1 protein (p.Val217Phe). This variant is not present in population databases (gnomAD no frequency). This variant has not been reported in the literature in individuals affected with NTHL1-related conditions. ClinVar contains an entry for this variant (Variation ID: 1362015). An algorithm developed to predict the effect of missense changes on protein structure and function (PolyPhen-2) suggests that this variant is likely to be disruptive. Experimental studies have shown that this missense change does not substantially affect NTHL1 function (PMID: 30552997). In summary, the available evidence is currently insufficient to determine the role of this variant in disease. Therefore, it has been classified as a Variant of Uncertain Significance.

Ambry Genetics
Classification: Uncertain significance for Hereditary cancer-predisposing syndrome. Last evaluated: 2021-10-14. Review status: criteria provided, single submitter. Criteria: Ambry Variant Classification Scheme 2023. Collection method: clinical testing. Allele origin: germline.
Comment: The p.V217F variant (also known as c.649G>T), located in coding exon 4 of the NTHL1 gene, results from a G to T substitution at nucleotide position 649. The valine at codon 217 is replaced by phenylalanine, an amino acid with highly similar properties. In one functional study, this alteration performed similar to the wildtype control and did not show defective repair activity for 5OHU and two other oxidatively damaged bases (Shinmura K et al. Free Radic Biol Med, 2019 02;131:264-273). This amino acid position is highly conserved in available vertebrate species. In addition, the in silico prediction for this alteration is inconclusive. Since supporting evidence is limited at this time, the clinical significance of this alteration remains unclear.

Literature cited by the submitters: PubMed 30552997 (cited by Labcorp Genetics (formerly Invitae), Labcorp and Ambry Genetics).